The following is an entry in ClinVar:

NM_014846.4(WASHC5):c.1831G>A (p.Val611Met)

Gene: WASHC5 (WASH complex subunit 5; minus strand). Cytogenetic location: 8q24.13.
Variant type: single nucleotide variant.
Coding change: c.1831G>A on transcript NM_014846.4 (MANE Select); coding-DNA position 1831, G replaced by A.
Protein change: p.Val611Met; replaces valine 611 with methionine.
Molecular consequence: missense variant.
Genome position (GRCh38, 1-based): chr8:125,057,600, C>T on the plus strand (G>A on the coding strand, the complement: WASHC5 is on the minus strand). VCF-style: chr8-125057600-C-T. GRCh37 (hg19) VCF-style: chr8-126069842-C-T.
Other names: c.1387G>A, p.Val463Met (NM_001330609.2); short protein forms V463M, V611M.
Identifiers: ClinVar variation 2631601 (VCV002631601.1), dbSNP rs1816448288, ClinGen allele CA372191329.
Genomic context (GRCh38, chr8:125,057,600, plus strand): 5'-CTGATGCATTTCTTACTTTTCTCACATAGGATACCAACTCTCCAGAATAGTACTGTGACA[C>T]GCTGAGCAGGTCGGGGCTATTTGCCTGATTAATACGAAGAAGGGGCAGATCGAGGGCAGA-3'
Protein context (NP_055661.3, residues 601-621): NQANSPDLLS[Val611Met]SQYYSGELVS

ClinVar aggregate classification (germline): Uncertain significance (1 of 4 stars; one submission).

Conditions:
WASHC5-related disorder. Also called: WASHC5-related condition.

Allele frequency attached by ClinVar (database versions not stated): gnomAD exomes below 0.00001; TOPMed 0.00001.
gnomAD v4.1: 2 of 1,613,854 alleles (0.00012%); highest among the groups gnomAD compares: Non-Finnish European, 0.00017%; no homozygotes.

Submission:

PreventionGenetics, part of Exact Sciences
Classification: Uncertain significance for WASHC5-related condition. Last evaluated: 2023-07-16. Review status: criteria provided, single submitter. Criteria: ACMG Guidelines, 2015. Collection method: clinical testing. Allele origin: germline.
Comment: The WASHC5 c.1831G>A variant is predicted to result in the amino acid substitution p.Val611Met. To our knowledge, this variant has not been reported in the literature or in a large population database, indicating this variant is rare. At this time, the clinical significance of this variant is uncertain due to the absence of conclusive functional and genetic evidence.